The following is an entry in ClinVar:

NM_015102.5(NPHP4):c.4217T>G (p.Ile1406Ser)

Gene: NPHP4 (nephrocystin 4; minus strand). Cytogenetic location: 1p36.31.
Variant type: single nucleotide variant.
Coding change: c.4217T>G on transcript NM_015102.5 (MANE Select); coding-DNA position 4217, T replaced by G.
Protein change: p.Ile1406Ser; replaces isoleucine 1406 with serine.
Molecular consequence: missense variant. On other transcripts: non-coding transcript variant (1).
Genome position (GRCh38, 1-based): chr1:5,863,329, A>C on the plus strand (T>G on the coding strand, the complement: NPHP4 is on the minus strand). VCF-style: chr1-5863329-A-C. GRCh37 (hg19) VCF-style: chr1-5923389-A-C.
Other names: c.2678T>G, p.Ile893Ser (NM_001291593.2); c.2681T>G, p.Ile894Ser (NM_001291594.2); short protein forms I1406S, I894S, I893S.
Identifiers: ClinVar variation 1417313 (VCV001417313.6), dbSNP rs2100356021, ClinGen allele CA338047527.

ClinVar aggregate classification (germline): Uncertain significance (1 of 4 stars; one submission).

Conditions:
Nephronophthisis. Also called: Juvenile Nephronophthisis. Identifiers: Orphanet 655, MedGen C0687120, MONDO:0019005, HP:0000090.

Submission:

Labcorp Genetics (formerly Invitae), Labcorp
Classification: Uncertain significance for Nephronophthisis. Last evaluated: 2021-10-21. Review status: criteria provided, single submitter. Criteria: Invitae Variant Classification Sherloc (09022015). Collection method: clinical testing. Allele origin: germline.
Comment: In summary, the available evidence is currently insufficient to determine the role of this variant in disease. Therefore, it has been classified as a Variant of Uncertain Significance. Algorithms developed to predict the effect of missense changes on protein structure and function are either unavailable or do not agree on the potential impact of this missense change (SIFT: "Deleterious"; PolyPhen-2: "Probably Damaging"; Align-GVGD: "Class C0"). This variant has not been reported in the literature in individuals affected with NPHP4-related conditions. This variant is not present in population databases (ExAC no frequency). This sequence change replaces isoleucine with serine at codon 1406 of the NPHP4 protein (p.Ile1406Ser). The isoleucine residue is highly conserved and there is a large physicochemical difference between isoleucine and serine.